The following is an entry in ClinVar:

ClinVar aggregate classification (germline): Uncertain significance (1 of 4 stars; one submission).

Conditions:
Hereditary cancer-predisposing syndrome. Also called: Neoplastic Syndromes, Hereditary; Tumor predisposition; Hereditary neoplastic syndrome; Hereditary Cancer Syndrome. Identifiers: Orphanet 140162, MedGen C0027672, MeSH D009386, MONDO:0015356.

Submission:

Ambry Genetics
Classification: Uncertain significance for Hereditary cancer-predisposing syndrome. Last evaluated: 2019-10-17. Review status: criteria provided, single submitter. Criteria: Ambry Variant Classification Scheme 2023. Collection method: clinical testing. Allele origin: germline.
Comment: The p.L1223H variant (also known as c.3668T>A), located in coding exon 24 of the RAD50 gene, results from a T to A substitution at nucleotide position 3668. The leucine at codon 1223 is replaced by histidine, an amino acid with similar properties. This amino acid position is highly conserved in available vertebrate species. In addition, this alteration is predicted to be deleterious by in silico analysis. Since supporting evidence is limited at this time, the clinical significance of this alteration remains unclear.

NM_005732.4(RAD50):c.3668T>A (p.Leu1223His)

Genes: RAD50 (RAD50 double strand break repair protein; plus strand), TH2LCRR (T helper type 2 locus control region associated RNA; minus strand), TH2-LCR (Th2 cytokine locus control region; plus strand). Cytogenetic location: 5q31.1.
Variant type: single nucleotide variant.
Coding change: c.3668T>A on transcript NM_005732.4 (MANE Select); coding-DNA position 3668, T replaced by A.
Protein change: p.Leu1223His; replaces leucine 1223 with histidine.
Molecular consequence: missense variant.
Genome position (GRCh38, 1-based): chr5:132,640,721, T>A. VCF-style: chr5-132640721-T-A. GRCh37 (hg19) VCF-style: chr5-131976413-T-A.
Other names: short protein forms L1223H.
Identifiers: ClinVar variation 824044 (VCV000824044.4), dbSNP rs1581023721, ClinGen allele CA360934057.